The following is an entry in ClinVar:

ClinVar aggregate classification (germline): Pathogenic (1 of 4 stars; one submission).

Submission:

Labcorp Genetics (formerly Invitae), Labcorp
Classification: Pathogenic. Last evaluated: 2023-11-27. Review status: criteria provided, single submitter. Criteria: Invitae Variant Classification Sherloc (09022015). Collection method: clinical testing. Allele origin: germline.
Comment: This variant is a gross deletion of the genomic region encompassing exon(s) 5-7 of the ABHD12 gene. This variant would be expected to be in-frame, preserving the integrity of the reading frame. This variant has not been reported in the literature in individuals affected with ABHD12-related conditions. This variant disrupts a region of the ABHD12 protein in which other variant(s) (p.Thr202Ile) have been determined to be pathogenic (PMID: 24697911). This suggests that this is a clinically significant region of the protein, and that variants that disrupt it are likely to be disease-causing. For these reasons, this variant has been classified as Pathogenic.

Literature cited by the submitters: PubMed 24697911.

NC_000020.10:g.(?_25290062)_(25297734_?)del

Gene: ABHD12 (abhydrolase domain containing 12, lysophospholipase; minus strand). Cytogenetic location: 20p11.21.
Variant type: Deletion.
Identifiers: ClinVar variation 2423577 (VCV002423577.3).